The following is an entry in ClinVar:

ClinVar aggregate classification (germline): Likely benign (1 of 4 stars; one submission).

Allele frequency attached by ClinVar (database versions not stated): 1000 Genomes Project 30x 0.00016; 1000 Genomes Project 0.00020.
gnomAD v4.1: 206 of 1,614,110 alleles (0.013%); highest among the groups gnomAD compares: South Asian, 0.21%; 1 homozygote.

Submission:

CeGaT Center for Human Genetics Tuebingen
Classification: Likely benign. Last evaluated: 2022-05-01. Review status: criteria provided, single submitter. Criteria: CeGaT Center For Human Genetics Tuebingen Variant Classification Criteria Version 2. Collection method: clinical testing. Allele origin: germline. Affected: yes. Observed: 1 variant allele.
Comment: VANGL2: BP4, BP7

NM_020335.3(VANGL2):c.1287G>T (p.Thr429=)

Gene: VANGL2 (VANGL planar cell polarity protein 2; plus strand). Cytogenetic location: 1q23.2.
Variant type: single nucleotide variant.
Coding change: c.1287G>T on transcript NM_020335.3 (MANE Select); coding-DNA position 1287, G replaced by T.
Protein change: p.Thr429=; no amino-acid change (threonine 429 retained).
Molecular consequence: synonymous variant.
Genome position (GRCh38, 1-based): chr1:160,424,265, G>T. VCF-style: chr1-160424265-G-T. GRCh37 (hg19) VCF-style: chr1-160394055-G-T.
Identifiers: ClinVar variation 2639503 (VCV002639503.24), dbSNP rs572362079, ClinGen allele CA1199647.
Genomic context (GRCh38, chr1:160,424,265, plus strand): 5'-CAAGCAGCAGCCCTACCACACCATGGAGAGCATCCTGCAGCACCTTGAATTCTGCATCAC[G>T]CATGACATGACGCCCAAGGTAGGCCTGCCCTGCTGCCAGCATCCTTCCTCCTTCCCCAGC-3'
Protein context (NP_065068.1, residues 419-439): SILQHLEFCI[Thr429=]HDMTPKAFLE